The following is an entry in ClinVar:

ClinVar aggregate classification (germline): Pathogenic (1 of 4 stars; one submission).

Conditions:
Autosomal recessive polycystic kidney disease (ARPKD). Also called: AR polycystic kidney disease. Identifiers: Orphanet 731, Orphanet 8378, MedGen C0085548, MeSH D017044, MONDO:0009889.

Submission:

Labcorp Genetics (formerly Invitae), Labcorp
Classification: Pathogenic for Autosomal recessive polycystic kidney disease. Last evaluated: 2015-10-01. Review status: criteria provided, single submitter. Criteria: Invitae Variant Classification Sherloc (09022015). Collection method: clinical testing. Allele origin: germline.
Comment: This sequence change is a gross deletion of the genomic region encompassing exon 51 of the PKHD1 gene. This variant has not been published in the literature and is not present in population databases. For these reasons, this variant has been classified as Pathogenic.

NC_000006.11:g.(?_51701192)_(51701277_?)del

Gene: PKHD1 (PKHD1 ciliary IPT domain containing fibrocystin/polyductin; minus strand). Cytogenetic location: 6p12.3.
Variant type: Deletion.
Identifiers: ClinVar variation 1073091 (VCV001073091.1).